The following is an entry in ClinVar:

ClinVar aggregate classification (germline): Uncertain significance (1 of 4 stars; one submission).

Conditions:
Intellectual disability, CASK-related, X-linked. Identifiers: MedGen CN043158.

Submission:

Labcorp Genetics (formerly Invitae), Labcorp
Classification: Uncertain significance for Intellectual disability, CASK-related, X-linked. Last evaluated: 2022-03-18. Review status: criteria provided, single submitter. Criteria: Invitae Variant Classification Sherloc (09022015). Collection method: clinical testing. Allele origin: germline.
Comment: This sequence change replaces cysteine, which is neutral and slightly polar, with tyrosine, which is neutral and polar, at codon 909 of the CASK protein (p.Cys909Tyr). This variant is not present in population databases (gnomAD no frequency). This variant has not been reported in the literature in individuals affected with CASK-related conditions. Algorithms developed to predict the effect of missense changes on protein structure and function are either unavailable or do not agree on the potential impact of this missense change (SIFT: "Deleterious"; PolyPhen-2: "Benign"; Align-GVGD: "Class C65"). In summary, the available evidence is currently insufficient to determine the role of this variant in disease. Therefore, it has been classified as a Variant of Uncertain Significance.

NM_001367721.1(CASK):c.2741G>A (p.Cys914Tyr)

Genes: CASK-AS1 (CASK antisense RNA 1; plus strand), CASK (calcium/calmodulin dependent serine protein kinase; minus strand). Cytogenetic location: Xp11.4.
Variant type: single nucleotide variant.
Coding change: c.2741G>A on transcript NM_001367721.1 (MANE Select); coding-DNA position 2741, G replaced by A.
Protein change: p.Cys914Tyr; replaces cysteine 914 with tyrosine.
Molecular consequence: missense variant.
Genome position (GRCh38, 1-based): chrX:41,520,460, C>T on the plus strand (G>A on the coding strand, the complement: CASK is on the minus strand). VCF-style: chrX-41520460-C-T. GRCh37 (hg19) VCF-style: chrX-41379713-C-T.
Other names: c.2657G>A, p.Cys886Tyr (NM_001126054.3); c.2654G>A, p.Cys885Tyr (NM_001126055.3); c.2723G>A, p.Cys908Tyr (NM_001410745.1); c.2726G>A, p.Cys909Tyr (NM_003688.4); short protein forms C885Y, C909Y, C886Y, C908Y, C914Y.
Identifiers: ClinVar variation 2113891 (VCV002113891.4), dbSNP rs2519651500, ClinGen allele CA412988725.
Genomic context (GRCh38, chrX:41,520,460, plus strand): 5'-TCAGATATCTGGGGAGAGGCCTAATAGACCCAGGAGACAGGGACCCACTGTGGGGCTGTG[C>T]ACACGAGCTCAACAGCTTCCTCCAGATGTCTGATTGTCTCATCAATTTCATTGTTGATAA-3'
Protein context (NP_001354650.1, residues 904-924): RHLEEAVELV[Cys914Tyr]TAPQWVPVSW